The following is an entry in ClinVar:

ClinVar aggregate classification (germline): Uncertain significance. Review status: criteria provided, multiple submitters, no conflicts (2 of 4 stars). 4 submissions from 3 submitters: Uncertain significance (4). Last evaluated 2022-01-26.

Conditions:
Usher syndrome type 1D (USH1D). Also called: USHER SYNDROME, TYPE ID. Identifiers: Orphanet 231169, Orphanet 886, MedGen C1832845, MONDO:0010984, OMIM 601067.
Autosomal recessive nonsyndromic hearing loss 12. Also called: DEAFNESS, AUTOSOMAL RECESSIVE 12. Identifiers: Orphanet 90636, MedGen C1832394, MONDO:0011067, OMIM 601386.

Allele frequency attached by ClinVar (database versions not stated): gnomAD exomes 0.00001.
gnomAD v4.1: 10 of 1,613,996 alleles (0.00062%); highest among the groups gnomAD compares: Non-Finnish European, 0.00085%; no homozygotes.

Submissions (4):

Labcorp Genetics (formerly Invitae), Labcorp
Classification: Uncertain significance. Last evaluated: 2022-01-26. Review status: criteria provided, single submitter. Criteria: Invitae Variant Classification Sherloc (09022015). Collection method: clinical testing. Allele origin: germline.
Comment: This sequence change replaces threonine, which is neutral and polar, with isoleucine, which is neutral and non-polar, at codon 474 of the CDH23 protein (p.Thr474Ile). This variant is not present in population databases (gnomAD no frequency). This variant has not been reported in the literature in individuals affected with CDH23-related conditions. ClinVar contains an entry for this variant (Variation ID: 880275). Algorithms developed to predict the effect of missense changes on protein structure and function are either unavailable or do not agree on the potential impact of this missense change (SIFT: "Deleterious"; PolyPhen-2: "Not Available"; Align-GVGD: "Class C65"). In summary, the available evidence is currently insufficient to determine the role of this variant in disease. Therefore, it has been classified as a Variant of Uncertain Significance.

Blueprint Genetics
Classification: Uncertain significance. Last evaluated: 2021-12-07. Review status: criteria provided, single submitter. Criteria: ACMG Guidelines, 2015. Collection method: clinical testing. Allele origin: germline.

Illumina Laboratory Services, Illumina
Classification: Uncertain significance for Usher syndrome type 1D. Last evaluated: 2018-01-13. Review status: criteria provided, single submitter. Criteria: ICSL Variant Classification Criteria 13 December 2019. Collection method: clinical testing. Allele origin: germline.

Illumina Laboratory Services, Illumina
Classification: Uncertain significance for Autosomal recessive nonsyndromic hearing loss 12. Last evaluated: 2018-01-13. Review status: criteria provided, single submitter. Criteria: ICSL Variant Classification Criteria 13 December 2019. Collection method: clinical testing. Allele origin: germline.

NM_022124.6(CDH23):c.1421C>T (p.Thr474Ile)

Gene: CDH23 (cadherin related 23; plus strand). Cytogenetic location: 10q22.1.
Variant type: single nucleotide variant.
Coding change: c.1421C>T on transcript NM_022124.6 (MANE Select); coding-DNA position 1421, C replaced by T.
Protein change: p.Thr474Ile; replaces threonine 474 with isoleucine.
Molecular consequence: missense variant.
Genome position (GRCh38, 1-based): chr10:71,646,589, C>T. VCF-style: chr10-71646589-C-T. GRCh37 (hg19) VCF-style: chr10-73406346-C-T.
Other names: c.1421C>T, p.Thr474Ile (NM_001171930.2, NM_001171931.2, NM_052836.4); short protein forms T474I.
Identifiers: ClinVar variation 880275 (VCV000880275.7), dbSNP rs1862880669, ClinGen allele CA377128182.